The following is an entry in ClinVar:

ClinVar aggregate classification (germline): Uncertain significance. Review status: criteria provided, multiple submitters, no conflicts (2 of 4 stars). 3 submissions from 3 submitters: Uncertain significance (2). 1 of the submissions does not count toward it. Last evaluated 2024-07-24.

Conditions:
Alstrom syndrome (ALMS). Identifiers: Orphanet 64, MedGen C0268425, MONDO:0008763, OMIM 203800.

Allele frequency attached by ClinVar (database versions not stated): TOPMed below 0.00001; ExAC 0.00001; gnomAD 0.00001; gnomAD exomes 0.00001.
gnomAD v4.1: 8 of 1,614,068 alleles (0.0005%); highest among the groups gnomAD compares: Admixed American, 0.005%; no homozygotes.

Submissions (3):

Labcorp Genetics (formerly Invitae), Labcorp
Classification: Uncertain significance for Alstrom syndrome. Last evaluated: 2024-07-24. Review status: criteria provided, single submitter. Criteria: Invitae Variant Classification Sherloc (09022015). Collection method: clinical testing. Allele origin: germline.
Comment: This sequence change replaces alanine, which is neutral and non-polar, with glutamic acid, which is acidic and polar, at codon 2829 of the ALMS1 protein (p.Ala2829Glu). This variant is present in population databases (rs751296181, gnomAD 0.007%). This missense change has been observed in individual(s) with clinical features of ALMS1-related conditions (PMID: 32483926). ClinVar contains an entry for this variant (Variation ID: 1206679). Experimental studies and prediction algorithms are not available or were not evaluated, and the functional significance of this variant is currently unknown. In summary, the available evidence is currently insufficient to determine the role of this variant in disease. Therefore, it has been classified as a Variant of Uncertain Significance.

GeneDx
Classification: Uncertain significance. Last evaluated: 2021-02-17. Review status: criteria provided, single submitter. Criteria: GeneDx Variant Classification Process June 2021. Collection method: clinical testing. Allele origin: germline. Affected: yes.
Comment: Not observed at a significant frequency in large population cohorts (Lek et al., 2016); In silico analysis supports that this missense variant does not alter protein structure/function; Has not been previously published as pathogenic or benign to our knowledge

Natera, Inc.
Classification: Uncertain significance for Alstrom syndrome. Last evaluated: 2021-05-21. Review status: no assertion criteria provided. Collection method: clinical testing. Allele origin: germline. Not counted in ClinVar's aggregate classification.

Literature cited by the submitters: PubMed 32483926 (cited by Labcorp Genetics (formerly Invitae), Labcorp).

NM_001378454.1(ALMS1):c.8483C>A (p.Ala2828Glu)

Gene: ALMS1 (ALMS1 centrosome and basal body associated protein; plus strand). Cytogenetic location: 2p13.1.
Variant type: single nucleotide variant.
Coding change: c.8483C>A on transcript NM_001378454.1 (MANE Select); coding-DNA position 8483, C replaced by A.
Protein change: p.Ala2828Glu; replaces alanine 2828 with glutamic acid.
Molecular consequence: missense variant.
Genome position (GRCh38, 1-based): chr2:73,490,442, C>A. VCF-style: chr2-73490442-C-A. GRCh37 (hg19) VCF-style: chr2-73717569-C-A.
Other names: c.8486C>A, p.Ala2829Glu (NM_015120.4); short protein forms A2828E, A2829E.
Identifiers: ClinVar variation 1206679 (VCV001206679.9), dbSNP rs751296181, ClinGen allele CA1714476.